The following is an entry in ClinVar:

ClinVar aggregate classification (germline): Uncertain significance (1 of 4 stars; one submission).

Conditions:
DICER1-related tumor predisposition. Also called: DICER1 syndrome; DICER1-related pleuropulmonary blastoma cancer predisposition syndrome. Identifiers: Orphanet 284343, MedGen C3839822, MONDO:0100216.

Submission:

Labcorp Genetics (formerly Invitae), Labcorp
Classification: Uncertain significance for DICER1-related tumor predisposition. Last evaluated: 2024-09-29. Review status: criteria provided, single submitter. Criteria: Invitae Variant Classification Sherloc (09022015). Collection method: clinical testing. Allele origin: germline.
Comment: This sequence change replaces leucine, which is neutral and non-polar, with proline, which is neutral and non-polar, at codon 1586 of the DICER1 protein (p.Leu1586Pro). This variant is not present in population databases (gnomAD no frequency). This variant has not been reported in the literature in individuals affected with DICER1-related conditions. Invitae Evidence Modeling of protein sequence and biophysical properties (such as structural, functional, and spatial information, amino acid conservation, physicochemical variation, residue mobility, and thermodynamic stability) indicates that this missense variant is expected to disrupt DICER1 protein function with a positive predictive value of 80%. In summary, the available evidence is currently insufficient to determine the role of this variant in disease. Therefore, it has been classified as a Variant of Uncertain Significance.

NM_177438.3(DICER1):c.4757T>C (p.Leu1586Pro)

Gene: DICER1 (dicer 1, ribonuclease III; minus strand). Cytogenetic location: 14q32.13.
Variant type: single nucleotide variant.
Coding change: c.4757T>C on transcript NM_177438.3 (MANE Select); coding-DNA position 4757, T replaced by C.
Protein change: p.Leu1586Pro; replaces leucine 1586 with proline.
Molecular consequence: missense variant. On other transcripts: non-coding transcript variant (6).
Genome position (GRCh38, 1-based): chr14:95,096,163, A>G on the plus strand (T>C on the coding strand, the complement: DICER1 is on the minus strand). VCF-style: chr14-95096163-A-G. GRCh37 (hg19) VCF-style: chr14-95562500-A-G.
Other names: c.4757T>C, p.Leu1586Pro (NM_001395677.1, NM_001395678.1, NM_001395679.1 and 12 more transcripts); c.4475T>C, p.Leu1492Pro (NM_001395686.1); c.4352T>C, p.Leu1451Pro (NM_001395687.1, NM_001395688.1, NM_001395689.1 and 2 more transcripts); c.4190T>C, p.Leu1397Pro (NM_001395691.1); c.3074T>C, p.Leu1025Pro (NM_001395697.1); short protein forms L1025P, L1586P, L1451P, L1397P, L1492P.
Identifiers: ClinVar variation 3720189 (VCV003720189.2).